The following is an entry in ClinVar:

NM_018008.4(FEZF2):c.944G>T (p.Arg315Leu)

Gene: FEZF2 (FEZ family zinc finger 2; minus strand). Cytogenetic location: 3p14.2.
Variant type: single nucleotide variant.
Coding change: c.944G>T on transcript NM_018008.4 (MANE Select); coding-DNA position 944, G replaced by T.
Protein change: p.Arg315Leu; replaces arginine 315 with leucine.
Molecular consequence: missense variant.
Genome position (GRCh38, 1-based): chr3:62,371,576, C>A on the plus strand (G>T on the coding strand, the complement: FEZF2 is on the minus strand). VCF-style: chr3-62371576-C-A. GRCh37 (hg19) VCF-style: chr3-62357251-C-A.
Other names: short protein forms R315L.
Identifiers: ClinVar variation 3033115 (VCV003033115.2), dbSNP rs2529552219, ClinGen allele CA353009464.

ClinVar aggregate classification (germline): Uncertain significance (0 of 4 stars; one submission).

Conditions:
FEZF2-related disorder. Also called: FEZF2-related condition.

Submission:

PreventionGenetics, part of Exact Sciences
Classification: Uncertain significance for FEZF2-related condition. Last evaluated: 2024-02-07. Review status: no assertion criteria provided. Collection method: clinical testing. Allele origin: germline.
Comment: The FEZF2 c.944G>T variant is predicted to result in the amino acid substitution p.Arg315Leu. To our knowledge, this variant has not been reported in the literature or in a large population database, indicating this variant is rare. At this time, the clinical significance of this variant is uncertain due to the absence of conclusive functional and genetic evidence.